The following is an entry in ClinVar:

NM_014795.4(ZEB2):c.2333C>T (p.Ser778Phe)

Gene: ZEB2 (zinc finger E-box binding homeobox 2; minus strand). Cytogenetic location: 2q22.3.
Variant type: single nucleotide variant.
Coding change: c.2333C>T on transcript NM_014795.4 (MANE Select); coding-DNA position 2333, C replaced by T.
Protein change: p.Ser778Phe; replaces serine 778 with phenylalanine.
Molecular consequence: missense variant.
Genome position (GRCh38, 1-based): chr2:144,398,854, G>A on the plus strand (C>T on the coding strand, the complement: ZEB2 is on the minus strand). VCF-style: chr2-144398854-G-A. GRCh37 (hg19) VCF-style: chr2-145156421-G-A.
Other names: c.2261C>T, p.Ser754Phe (NM_001171653.2); short protein forms S754F, S778F.
Identifiers: ClinVar variation 3766106 (VCV003766106.1).

ClinVar aggregate classification (germline): Uncertain significance (1 of 4 stars; one submission).

gnomAD v4.1: 1 of 1,614,166 alleles (0.000062%); no homozygotes.

Submission:

GeneDx
Classification: Uncertain significance. Last evaluated: 2024-08-30. Review status: criteria provided, single submitter. Criteria: GeneDx Variant Classification Process June 2021. Collection method: clinical testing. Allele origin: germline. Affected: yes.
Comment: Not observed at significant frequency in large population cohorts (gnomAD); In silico analysis indicates that this missense variant does not alter protein structure/function; Has not been previously published as pathogenic or benign to our knowledge; This variant is associated with the following publications: (PMID: 16053902)